The following is an entry in ClinVar:

NM_015261.3(NCAPD3):c.519C>T (p.Pro173=)

Gene: NCAPD3 (non-SMC condensin II complex subunit D3; minus strand). Cytogenetic location: 11q25.
Variant type: single nucleotide variant.
Coding change: c.519C>T on transcript NM_015261.3 (MANE Select); coding-DNA position 519, C replaced by T.
Protein change: p.Pro173=; no amino-acid change (proline 173 retained).
Molecular consequence: synonymous variant.
Genome position (GRCh38, 1-based): chr11:134,210,318, G>A on the plus strand (C>T on the coding strand, the complement: NCAPD3 is on the minus strand). VCF-style: chr11-134210318-G-A. GRCh37 (hg19) VCF-style: chr11-134080212-G-A.
Other names: c.519C>T, p.Pro173= (NM_001372065.1, NM_001372068.1); c.105C>T, p.Pro35= (NM_001372069.1, NM_001372070.1).
Identifiers: ClinVar variation 3054771 (VCV003054771.2), dbSNP rs149186393, ClinGen allele CA6371986.

ClinVar aggregate classification (germline): Likely benign (0 of 4 stars; one submission).

Conditions:
NCAPD3-related disorder. Also called: NCAPD3-related condition.

Allele frequency attached by ClinVar (database versions not stated): ExAC 0.00014; gnomAD 0.00023; TOPMed 0.00029; ESP Exome Variant Server 0.00038; 1000 Genomes Project 0.00060; 1000 Genomes Project 30x 0.00078.
gnomAD v4.1: 99 of 1,613,972 alleles (0.0061%); highest among the groups gnomAD compares: African/African-American, 0.069%; 1 homozygote.

Submission:

PreventionGenetics, part of Exact Sciences
Classification: Likely benign for NCAPD3-related condition. Last evaluated: 2020-10-07. Review status: no assertion criteria provided. Collection method: clinical testing. Allele origin: germline.
Comment: This variant is classified as likely benign based on ACMG/AMP sequence variant interpretation guidelines (Richards et al. 2015 PMID: 25741868, with internal and published modifications).